The following is an entry in ClinVar:

ClinVar aggregate classification (germline): Pathogenic (1 of 4 stars; one submission).

Conditions:
Cohen syndrome (COH1). Also called: Cutis verticis gyrata, retinitis pigmentosa, and sensorineural deafness; PEPPER SYNDROME. Identifiers: Orphanet 193, MedGen C0265223, MONDO:0008999, OMIM 216550.

Submission:

Labcorp Genetics (formerly Invitae), Labcorp
Classification: Pathogenic for Cohen syndrome. Last evaluated: 2023-01-13. Review status: criteria provided, single submitter. Criteria: Invitae Variant Classification Sherloc (09022015). Collection method: clinical testing. Allele origin: unknown.
Comment: For these reasons, this variant has been classified as Pathogenic. This variant has not been reported in the literature in individuals affected with VPS13B-related conditions. This variant is a gross deletion of the genomic region encompassing exon(s) 7-19 of the VPS13B gene. This deletion is out-of-frame, and is expected to create a premature termination codon and result in an absent or disrupted protein product. Loss-of-function variants in VPS13B are known to be pathogenic (PMID: 15141358, 16648375, 20461111).

Literature cited by the submitters: PubMed 15141358; PubMed 16648375; PubMed 20461111.

NC_000008.10:g.(?_100127908)_(100287502_?)del

Gene: VPS13B (vacuolar protein sorting 13 homolog B; plus strand). Cytogenetic location: 8q22.2.
Variant type: Deletion.
Identifiers: ClinVar variation 3245466 (VCV003245466.1).